The following is an entry in ClinVar:

ClinVar aggregate classification (germline): Uncertain significance (1 of 4 stars; one submission).

Submission:

Dasa
Classification: Uncertain significance. Last evaluated: 2025-08-05. Review status: criteria provided, single submitter. Criteria: DASA Assertion Criteria. Collection method: clinical testing. Allele origin: germline.
Comment: NM_003738.5(PTCH2):c.2906G>A (p.Cys969Tyr) is a missense variant that results in the substitution of cysteine with tyrosine. This variant is absent from population databases. Computational prediction algorithms are consistent with a benign effect. The currently available literature and clinical evidence are not sufficient to establish a definitive association between this variant and the reported condition. Therefore, this variant is classified as a variant of uncertain significance.

NM_003738.5(PTCH2):c.2906G>A (p.Cys969Tyr)

Gene: PTCH2 (patched 2; minus strand). Cytogenetic location: 1p34.1.
Variant type: single nucleotide variant.
Coding change: c.2906G>A on transcript NM_003738.5 (MANE Select); coding-DNA position 2906, G replaced by A.
Protein change: p.Cys969Tyr; replaces cysteine 969 with tyrosine.
Molecular consequence: missense variant.
Genome position (GRCh38, 1-based): chr1:44,826,558, C>T on the plus strand (G>A on the coding strand, the complement: PTCH2 is on the minus strand). VCF-style: chr1-44826558-C-T. GRCh37 (hg19) VCF-style: chr1-45292230-C-T.
Other names: c.2906G>A, p.Cys969Tyr (NM_001166292.2); short protein forms C969Y.
Identifiers: ClinVar variation 4881657 (VCV004881657.2).